The following is an entry in ClinVar:

ClinVar aggregate classification (germline): Uncertain significance (1 of 4 stars; one submission).

gnomAD v4.1: 1 of 1,601,550 alleles (0.000062%); highest among the groups gnomAD compares: Non-Finnish European, 0.000085%; no homozygotes.

Submission:

Ambry Genetics
Classification: Uncertain significance. Last evaluated: 2025-08-30. Review status: criteria provided, single submitter. Criteria: Ambry Variant Classification Scheme 2023. Collection method: clinical testing. Allele origin: germline.
Comment: The p.V465I variant (also known as c.1393G>A), located in coding exon 2 of the CDK12 gene, results from a G to A substitution at nucleotide position 1393. The valine at codon 465 is replaced by isoleucine, an amino acid with highly similar properties. This amino acid position is conserved. In addition, this alteration is predicted to be tolerated by in silico analysis. Based on the available evidence, the clinical significance of this variant remains unclear.

NM_016507.4(CDK12):c.1393G>A (p.Val465Ile)

Gene: CDK12 (cyclin dependent kinase 12; plus strand). Cytogenetic location: 17q12.
Variant type: single nucleotide variant.
Coding change: c.1393G>A on transcript NM_016507.4 (MANE Select); coding-DNA position 1393, G replaced by A.
Protein change: p.Val465Ile; replaces valine 465 with isoleucine.
Molecular consequence: missense variant.
Genome position (GRCh38, 1-based): chr17:39,471,225, G>A. VCF-style: chr17-39471225-G-A. GRCh37 (hg19) VCF-style: chr17-37627478-G-A.
Other names: c.1393G>A, p.Val465Ile (NM_015083.4); short protein forms V465I.
Identifiers: ClinVar variation 4224428 (VCV004224428.1).